The following is an entry in ClinVar:

ClinVar aggregate classification (germline): Uncertain significance (1 of 4 stars; one submission).

Conditions:
Fanconi anemia (FA). Also called: Fanconi's anemia. Identifiers: Orphanet 84, MedGen C0015625, MeSH D005199, MONDO:0019391.

Submission:

Labcorp Genetics (formerly Invitae), Labcorp
Classification: Uncertain significance for Fanconi anemia. Last evaluated: 2023-03-22. Review status: criteria provided, single submitter. Criteria: Invitae Variant Classification Sherloc (09022015). Collection method: clinical testing. Allele origin: germline.
Comment: This variant is present in population databases (no rsID available, gnomAD 0.006%). This sequence change replaces glycine, which is neutral and non-polar, with arginine, which is basic and polar, at codon 150 of the FANCF protein (p.Gly150Arg). This variant has not been reported in the literature in individuals affected with FANCF-related conditions. In summary, the available evidence is currently insufficient to determine the role of this variant in disease. Therefore, it has been classified as a Variant of Uncertain Significance. Advanced modeling of protein sequence and biophysical properties (such as structural, functional, and spatial information, amino acid conservation, physicochemical variation, residue mobility, and thermodynamic stability) performed at Invitae indicates that this missense variant is not expected to disrupt FANCF protein function.

NM_022725.4(FANCF):c.448G>C (p.Gly150Arg)

Gene: FANCF (FA complementation group F; minus strand). Cytogenetic location: 11p14.3.
Variant type: single nucleotide variant.
Coding change: c.448G>C on transcript NM_022725.4 (MANE Select); coding-DNA position 448, G replaced by C.
Protein change: p.Gly150Arg; replaces glycine 150 with arginine.
Molecular consequence: missense variant.
Genome position (GRCh38, 1-based): chr11:22,625,363, C>G on the plus strand (G>C on the coding strand, the complement: FANCF is on the minus strand). VCF-style: chr11-22625363-C-G. GRCh37 (hg19) VCF-style: chr11-22646909-C-G.
Other names: short protein forms G150R.
Identifiers: ClinVar variation 2844660 (VCV002844660.3), dbSNP rs907542988, ClinGen allele CA380059032.